The following is an entry in ClinVar:

ClinVar aggregate classification (germline): Uncertain significance (1 of 4 stars; one submission).

Allele frequency attached by ClinVar (database versions not stated): gnomAD exomes below 0.00001; TOPMed below 0.00001; ExAC 0.00001.
gnomAD v4.1: 1 of 1,614,134 alleles (0.000062%); highest among the groups gnomAD compares: Admixed American, 0.0017%; no homozygotes.

Submission:

Labcorp Genetics (formerly Invitae), Labcorp
Classification: Uncertain significance. Last evaluated: 2023-08-30. Review status: criteria provided, single submitter. Criteria: Invitae Variant Classification Sherloc (09022015). Collection method: clinical testing. Allele origin: germline.
Comment: This variant has not been reported in the literature in individuals affected with SH2B1-related conditions. An algorithm developed to predict the effect of missense changes on protein structure and function (PolyPhen-2) suggests that this variant is likely to be tolerated. In summary, the available evidence is currently insufficient to determine the role of this variant in disease. Therefore, it has been classified as a Variant of Uncertain Significance. This variant is present in population databases (rs778484664, gnomAD 0.003%). This sequence change replaces proline, which is neutral and non-polar, with arginine, which is basic and polar, at codon 419 of the SH2B1 protein (p.Pro419Arg).

NM_001387430.1(SH2B1):c.1256C>G (p.Pro419Arg)

Gene: SH2B1 (SH2B adaptor protein 1; plus strand). Cytogenetic location: 16p11.2.
Variant type: single nucleotide variant.
Coding change: c.1256C>G on transcript NM_001387430.1 (MANE Select); coding-DNA position 1256, C replaced by G.
Protein change: p.Pro419Arg; replaces proline 419 with arginine.
Molecular consequence: missense variant.
Genome position (GRCh38, 1-based): chr16:28,869,330, C>G. VCF-style: chr16-28869330-C-G. GRCh37 (hg19) VCF-style: chr16-28880651-C-G.
Other names: c.1256C>G, p.Pro419Arg (NM_015503.3, NM_001145795.2, NM_001145796.2 and 4 more transcripts); c.248C>G, p.Pro83Arg (NM_001308294.2); short protein forms P419R, P83R.
Identifiers: ClinVar variation 2742678 (VCV002742678.3), dbSNP rs778484664, ClinGen allele CA7986144.